The following is an entry in ClinVar:

NM_001447.3(FAT2):c.8814G>C (p.Gln2938His)

Genes: FAT2 (FAT atypical cadherin 2; minus strand), SLC36A1 (solute carrier family 36 member 1; plus strand). Cytogenetic location: 5q33.1.
Variant type: single nucleotide variant.
Coding change: c.8814G>C on transcript NM_001447.3 (MANE Select); coding-DNA position 8814, G replaced by C.
Protein change: p.Gln2938His; replaces glutamine 2938 with histidine.
Molecular consequence: missense variant.
Genome position (GRCh38, 1-based): chr5:151,542,313, C>G on the plus strand (G>C on the coding strand, the complement: FAT2 is on the minus strand). VCF-style: chr5-151542313-C-G. GRCh37 (hg19) VCF-style: chr5-150921874-C-G.
Other names: c.8814G>C (NM_001447.2); short protein forms Q2938H.
Identifiers: ClinVar variation 2166986 (VCV002166986.5), dbSNP rs755879806, ClinGen allele CA3520741.
Genomic context (GRCh38, chr5:151,542,313, plus strand): 5'-CAGAGCCTGCAGTCCATGACAGGTGTTCTTACCTGTGATGTAGCAGGTGACCTGCCTGTT[C>G]TGCTCAGAAATGTCAGCATCCAGGGTCTTTAGAGTCGCCACCAGTTCGCCAGGCTCACTG-3'
Protein context (NP_001438.1, residues 2928-2948): LKTLDADISE[Gln2938His]NRQVTCYITE

ClinVar aggregate classification (germline): Uncertain significance. Review status: criteria provided, multiple submitters, no conflicts (2 of 4 stars). 2 submissions from 2 submitters: Uncertain significance (2). Last evaluated 2024-03-28.

Allele frequency attached by ClinVar (database versions not stated): gnomAD exomes 0.00001; ExAC 0.00003.
gnomAD v4.1: 13 of 1,609,614 alleles (0.00081%); highest among the groups gnomAD compares: Non-Finnish European, 0.0011%; no homozygotes.

Submissions (2):

Ambry Genetics
Classification: Uncertain significance. Last evaluated: 2024-03-28. Review status: criteria provided, single submitter. Criteria: Ambry Variant Classification Scheme 2023. Collection method: clinical testing. Allele origin: germline.

Labcorp Genetics (formerly Invitae), Labcorp
Classification: Uncertain significance. Last evaluated: 2022-09-10. Review status: criteria provided, single submitter. Criteria: Invitae Variant Classification Sherloc (09022015). Collection method: clinical testing. Allele origin: germline.
Comment: This sequence change replaces glutamine, which is neutral and polar, with histidine, which is basic and polar, at codon 2938 of the FAT2 protein (p.Gln2938His). This variant is present in population databases (rs755879806, gnomAD 0.005%). This variant has not been reported in the literature in individuals affected with FAT2-related conditions. Advanced modeling of protein sequence and biophysical properties (such as structural, functional, and spatial information, amino acid conservation, physicochemical variation, residue mobility, and thermodynamic stability) performed at Invitae indicates that this missense variant is not expected to disrupt FAT2 protein function. In summary, the available evidence is currently insufficient to determine the role of this variant in disease. Therefore, it has been classified as a Variant of Uncertain Significance.